The following is an entry in ClinVar:

NM_000515.5(GH1):c.302T>C (p.Leu101Pro)

Genes: GH-LCR (growth hormone locus control region; plus strand), GH1 (growth hormone 1; minus strand). Cytogenetic location: 17q23.3.
Variant type: single nucleotide variant.
Coding change: c.302T>C on transcript NM_000515.5 (MANE Select); coding-DNA position 302, T replaced by C.
Protein change: p.Leu101Pro; replaces leucine 101 with proline.
Molecular consequence: missense variant.
Genome position (GRCh38, 1-based): chr17:63,917,914, A>G on the plus strand (T>C on the coding strand, the complement: GH1 is on the minus strand). VCF-style: chr17-63917914-A-G. GRCh37 (hg19) VCF-style: chr17-61995274-A-G.
Other names: c.257T>C, p.Leu86Pro (NM_022559.4); c.182T>C, p.Leu61Pro (NM_022560.4); short protein forms L61P, L86P, L101P.
Identifiers: ClinVar variation 1030835 (VCV001030835.3), dbSNP rs1907452711, ClinGen allele CA400612134.

ClinVar aggregate classification (germline): Uncertain significance. Review status: criteria provided, multiple submitters, no conflicts (2 of 4 stars). 2 submissions from 2 submitters: Uncertain significance (2). Last evaluated 2024-11-15.

Conditions:
Autosomal dominant isolated somatotropin deficiency (IGHD2). Also called: Idiopathic Growth Hormone Deficiency Type II; IGHD II. Identifiers: Orphanet 231679, Orphanet 631, MedGen C0271567, MONDO:0008250, OMIM 173100.

Submissions (2):

GeneDx
Classification: Uncertain significance. Last evaluated: 2024-11-15. Review status: criteria provided, single submitter. Criteria: GeneDx Variant Classification Process June 2021. Collection method: clinical testing. Allele origin: germline.
Comment: Not observed at significant frequency in large population cohorts (gnomAD); In silico analysis supports that this missense variant has a deleterious effect on protein structure/function; Has not been previously published as pathogenic or benign to our knowledge

Baylor Genetics
Classification: Uncertain significance for Autosomal dominant isolated somatotropin deficiency. Last evaluated: 2020-09-11. Review status: criteria provided, single submitter. Criteria: ACMG Guidelines, 2015. Collection method: clinical testing. Allele origin: de novo. Affected: yes.
Comment: This variant was determined to be of uncertain significance according to ACMG Guidelines, 2015 [PMID:25741868].